The following is an entry in ClinVar:

ClinVar aggregate classification (germline): Pathogenic. Review status: criteria provided, multiple submitters, no conflicts (2 of 4 stars). 3 submissions from 3 submitters: Pathogenic (3). Last evaluated 2026-06-11.

Conditions:
Hereditary cancer-predisposing syndrome. Also called: Hereditary Cancer Syndrome; Neoplastic Syndromes, Hereditary; Tumor predisposition; Hereditary neoplastic syndrome. Identifiers: Orphanet 140162, MedGen C0027672, MeSH D009386, MONDO:0015356.
Basal cell carcinoma, susceptibility to, 1. Also called: BCC1. Identifiers: MedGen C2751544, MONDO:0011556, OMIM 605462.
Gorlin syndrome. Also called: Nevoid Basal Cell Carcinoma Syndrome; Basal cell nevus syndrome. Identifiers: Orphanet 377, MedGen C0004779, MONDO:0007187.

Submissions (3):

Ambry Genetics
Classification: Pathogenic for Hereditary cancer-predisposing syndrome. Last evaluated: 2026-06-11. Review status: criteria provided, single submitter. Criteria: Ambry Variant Classification Scheme 2023. Collection method: clinical testing. Allele origin: germline.
Comment: The p.Q794* pathogenic mutation (also known as c.2380C>T), located in coding exon 15 of the PTCH1 gene, results from a C to T substitution at nucleotide position 2380. This changes the amino acid from a glutamine to a stop codon within coding exon 15. This variant was reported in individual(s) with features consistent with PTCH1-related nevoid basal cell carcinoma syndrome (Ambry internal data). This variant is considered to be rare based on population cohorts in the Genome Aggregation Database (gnomAD). This alteration is expected to result in loss of function by premature protein truncation or nonsense-mediated mRNA decay. As such, this alteration is interpreted as a disease-causing mutation.

Labcorp Genetics (formerly Invitae), Labcorp
Classification: Pathogenic for Gorlin syndrome. Last evaluated: 2021-05-03. Review status: criteria provided, single submitter. Criteria: Invitae Variant Classification Sherloc (09022015). Collection method: clinical testing. Allele origin: germline.
Comment: This variant has not been reported in the literature in individuals with PTCH1-related disease. This variant is not present in population databases (ExAC no frequency). This sequence change creates a premature translational stop signal (p.Gln794*) in the PTCH1 gene. It is expected to result in an absent or disrupted protein product. For these reasons, this variant has been classified as Pathogenic. Loss-of-function variants in PTCH1 are known to be pathogenic (PMID: 16301862, 16419085).

Centre for Mendelian Genomics, University Medical Centre Ljubljana
Classification: Pathogenic for Basal cell carcinoma, susceptibility to, 1. Last evaluated: 2020-03-20. Review status: criteria provided, single submitter. Criteria: ACMG Guidelines, 2015. Collection method: clinical testing. Allele origin: unknown. Affected: yes.
Comment: This variant was classified as: Pathogenic. The following ACMG criteria were applied in classifying this variant: PVS1,PM2,PP4.

Literature cited by the submitters: PubMed 16301862 (cited by Labcorp Genetics (formerly Invitae), Labcorp); PubMed 16419085 (cited by Labcorp Genetics (formerly Invitae), Labcorp).

NM_000264.5(PTCH1):c.2380C>T (p.Gln794Ter)

Genes: PTCH1 (patched 1; minus strand), LOC100507346 (uncharacterized LOC100507346; plus strand). Cytogenetic location: 9q22.32.
Variant type: single nucleotide variant.
Coding change: c.2380C>T on transcript NM_000264.5 (MANE Select); coding-DNA position 2380, C replaced by T.
Protein change: p.Gln794Ter; replaces glutamine 794 with a stop codon.
Molecular consequence: nonsense.
Genome position (GRCh38, 1-based): chr9:95,467,296, G>A on the plus strand (C>T on the coding strand, the complement: PTCH1 is on the minus strand). VCF-style: chr9-95467296-G-A. GRCh37 (hg19) VCF-style: chr9-98229578-G-A.
Other names: c.2182C>T, p.Gln728Ter (NM_001083602.3); c.2377C>T, p.Gln793Ter (NM_001083603.3); c.1927C>T, p.Gln643Ter (NM_001083604.3, NM_001083605.3, NM_001083606.3 and 1 more transcripts); c.2224C>T, p.Gln742Ter (NM_001354918.2); short protein forms Q728*, Q742*, Q794*, Q643*, Q793*.
Identifiers: ClinVar variation 931311 (VCV000931311.11), dbSNP rs1840094606, ClinGen allele CA374114420.